The following is an entry in ClinVar:

NC_000002.12:g.(?_47790927)_(47791123_?)del

Gene: MSH6 (mutS homolog 6; plus strand). Cytogenetic location: 2p16.3.
Variant type: Deletion.
Identifiers: ClinVar variation 417613 (VCV000417613.1).

ClinVar aggregate classification (germline): Pathogenic (1 of 4 stars; one submission).

Conditions:
Lynch syndrome. Identifiers: Orphanet 144, MedGen C4552100, MONDO:0005835. Disease mechanism: loss of function.

Submission:

Labcorp Genetics (formerly Invitae), Labcorp
Classification: Pathogenic for Hereditary nonpolyposis colorectal neoplasms. Last evaluated: 2016-10-12. Review status: criteria provided, single submitter. Criteria: Invitae Variant Classification Sherloc (09022015). Collection method: clinical testing. Allele origin: germline.
Comment: This variant is a gross deletion of the genomic region encompassing exon 2 of the MSH6 gene. This creates a premature translational stop signal and is expected to result in an absent or disrupted protein product. While this gross deletion has not been reported in the literature, loss-of-function variants including gross deletions in MSH6 are known to be pathogenic (PMID: 24362816, 18269114). For these reasons, this variant has been classified as Pathogenic.